The following is an entry in ClinVar:

NM_030662.4(MAP2K2):c.475C>G (p.Leu159Val)

Gene: MAP2K2 (mitogen-activated protein kinase kinase 2; minus strand). Cytogenetic location: 19p13.3.
Variant type: single nucleotide variant.
Coding change: c.475C>G on transcript NM_030662.4 (MANE Select); coding-DNA position 475, C replaced by G.
Protein change: p.Leu159Val; replaces leucine 159 with valine.
Molecular consequence: missense variant.
Genome position (GRCh38, 1-based): chr19:4,102,429, G>C on the plus strand (C>G on the coding strand, the complement: MAP2K2 is on the minus strand). VCF-style: chr19-4102429-G-C. GRCh37 (hg19) VCF-style: chr19-4102427-G-C.
Other names: short protein forms L159V.
Identifiers: ClinVar variation 392551 (VCV000392551.2), dbSNP rs755613777, ClinGen allele CA16607837.

ClinVar aggregate classification (germline): Uncertain significance (1 of 4 stars; one submission).

Submission:

GeneDx
Classification: Uncertain significance. Last evaluated: 2017-01-05. Review status: criteria provided, single submitter. Criteria: GeneDx Variant Classification (06012015). Collection method: clinical testing. Allele origin: germline. Affected: yes.
Comment: The L159V variant has not been published as a pathogenic variant, nor has it been reported as a benign variant to our knowledge. The L159V variant was not observed in approximately 6,500 individuals of European and African American ancestry in the NHLBI Exome Sequencing Project, indicating it is not a common benign variant in these populations. The L159V variant is a conservative amino acid substitution, which is not likely to impact secondary protein structure as these residues share similar properties. This substitution occurs at a position that is conserved across species. In silico analysis predicts this variant is probably damaging to the protein structure/function. Missense variants in nearby residues have not been reported in the Human Gene Mutation Database (Stenson et al., 2014). Based on the currently available information, it is unclear whether this variant is a pathogenic variant or a rare benign variant.